The following is an entry in ClinVar:

NM_003477.3(PDHX):c.766C>T (p.Pro256Ser)

Gene: PDHX (pyruvate dehydrogenase complex component X; plus strand). Cytogenetic location: 11p13.
Variant type: single nucleotide variant.
Coding change: c.766C>T on transcript NM_003477.3 (MANE Select); coding-DNA position 766, C replaced by T.
Protein change: p.Pro256Ser; replaces proline 256 with serine.
Molecular consequence: missense variant. On other transcripts: intron variant (1).
Genome position (GRCh38, 1-based): chr11:34,966,764, C>T. VCF-style: chr11-34966764-C-T. GRCh37 (hg19) VCF-style: chr11-34988311-C-T.
Other names: c.586C>T, p.Pro196Ser (NM_001135024.2); c.343-17806C>T (NM_001166158.2); short protein forms P256S, P196S.
Identifiers: ClinVar variation 1523422 (VCV001523422.4), dbSNP rs147958676, ClinGen allele CA5945985.
Genomic context (GRCh38, chr11:34,966,764, plus strand): 5'-GCCCCCACAGCCACTCCCACAGCACCTTCGCCCCTACAGGCCACAGCTGGACCATCTTAT[C>T]CCCGGCCTGTGATCCCACCAGTATCAACTCCTGGACAACCCAATGCAGTGGTAGTGTTCT-3'
Protein context (NP_003468.2, residues 246-266): PLQATAGPSY[Pro256Ser]RPVIPPVSTP

ClinVar aggregate classification (germline): Uncertain significance. Review status: criteria provided, multiple submitters, no conflicts (2 of 4 stars). 2 submissions from 2 submitters: Uncertain significance (2). Last evaluated 2022-09-27.

Conditions:
Mitochondrial disease. Also called: Mitochondrial disorders; Mitochondrial disorder. Identifiers: Orphanet 68380, MedGen C0751651, MeSH D028361, MONDO:0044970.

Allele frequency attached by ClinVar (database versions not stated): ExAC 0.00007; gnomAD 0.00007; gnomAD exomes 0.00009; TOPMed 0.00010; 1000 Genomes Project 0.00020; ESP Exome Variant Server 0.00023; 1000 Genomes Project 30x 0.00031.
gnomAD v4.1: 128 of 1,614,128 alleles (0.0079%); highest among the groups gnomAD compares: Middle Eastern, 0.12%; no homozygotes.

Submissions (2):

Labcorp Genetics (formerly Invitae), Labcorp
Classification: Uncertain significance. Last evaluated: 2022-09-27. Review status: criteria provided, single submitter. Criteria: Invitae Variant Classification Sherloc (09022015). Collection method: clinical testing. Allele origin: germline.
Comment: This sequence change replaces proline, which is neutral and non-polar, with serine, which is neutral and polar, at codon 256 of the PDHX protein (p.Pro256Ser). This variant is present in population databases (rs147958676, gnomAD 0.02%). This variant has not been reported in the literature in individuals affected with PDHX-related conditions. ClinVar contains an entry for this variant (Variation ID: 1523422). Algorithms developed to predict the effect of missense changes on protein structure and function output the following: SIFT: "Tolerated"; PolyPhen-2: "Benign"; Align-GVGD: "Class C0". The serine amino acid residue is found in multiple mammalian species, which suggests that this missense change does not adversely affect protein function. In summary, the available evidence is currently insufficient to determine the role of this variant in disease. Therefore, it has been classified as a Variant of Uncertain Significance.

Department of Pathology and Laboratory Medicine, Sinai Health System
Classification: Uncertain significance for mitochondrial disease. Last evaluated: 2020-07-29. Review status: criteria provided, single submitter. Criteria: ACMG Guidelines, 2015. Collection method: research. Allele origin: germline.